The following is an entry in ClinVar:

NM_015474.4(SAMHD1):c.143A>G (p.Glu48Gly)

Gene: SAMHD1 (SAM and HD domain containing deoxynucleoside triphosphate triphosphohydrolase 1; minus strand). Cytogenetic location: 20q11.23.
Variant type: single nucleotide variant.
Coding change: c.143A>G on transcript NM_015474.4 (MANE Select); coding-DNA position 143, A replaced by G.
Protein change: p.Glu48Gly; replaces glutamic acid 48 with glycine.
Molecular consequence: missense variant.
Genome position (GRCh38, 1-based): chr20:36,951,501, T>C on the plus strand (A>G on the coding strand, the complement: SAMHD1 is on the minus strand). VCF-style: chr20-36951501-T-C. GRCh37 (hg19) VCF-style: chr20-35579904-T-C.
Other names: c.143A>G, p.Glu48Gly (NM_001363729.2, NM_001363733.2); short protein forms E48G.
Identifiers: ClinVar variation 1424143 (VCV001424143.5), dbSNP rs145360072, ClinGen allele CA9844827.
Genomic context (GRCh38, chr20:36,951,501, plus strand): 5'-ATGTTCTTCAGCAGCACCGGCTCTTCAAAGCCACCGCGCCTGAGGAAGGAGCACACCTGC[T>C]CCGGACCCCATGTCTTGTAGTCGGGATGGAGTTCCAGGCCCGGGGACCAGTCTGCCTCTG-3'
Protein context (NP_056289.2, residues 38-58): LHPDYKTWGP[Glu48Gly]QVCSFLRRGG

ClinVar aggregate classification (germline): Uncertain significance (1 of 4 stars; one submission).

Conditions:
Aicardi-Goutieres syndrome 5. Identifiers: Orphanet 51, MedGen C2749659, MONDO:0013059, OMIM 612952.

Allele frequency attached by ClinVar (database versions not stated): gnomAD 0.00001; gnomAD exomes 0.00001; ExAC 0.00002; TOPMed 0.00004; ESP Exome Variant Server 0.00008.
gnomAD v4.1: 5 of 1,614,006 alleles (0.00031%); highest among the groups gnomAD compares: Non-Finnish European, 0.00042%; no homozygotes.

Submission:

Labcorp Genetics (formerly Invitae), Labcorp
Classification: Uncertain significance for Aicardi-Goutieres syndrome 5. Last evaluated: 2021-09-24. Review status: criteria provided, single submitter. Criteria: Invitae Variant Classification Sherloc (09022015). Collection method: clinical testing. Allele origin: germline.
Comment: This sequence change replaces glutamic acid with glycine at codon 48 of the SAMHD1 protein (p.Glu48Gly). The glutamic acid residue is moderately conserved and there is a moderate physicochemical difference between glutamic acid and glycine. This variant is present in population databases (rs145360072, ExAC 0.003%). This variant has not been reported in the literature in individuals with SAMHD1-related disease. Algorithms developed to predict the effect of missense changes on protein structure and function are either unavailable or do not agree on the potential impact of this missense change (SIFT: "Deleterious"; PolyPhen-2: "Benign"; Align-GVGD: "Class C0"). In summary, the available evidence is currently insufficient to determine the role of this variant in disease. Therefore, it has been classified as a Variant of Uncertain Significance.